The following is an entry in ClinVar:

NM_005422.4(TECTA):c.5431_5433del (p.Met1811del)

Genes: TECTA (tectorin alpha; plus strand), TBCEL-TECTA (TBCEL-TECTA readthrough; plus strand). Cytogenetic location: 11q23.3.
Variant type: Deletion.
Coding change: c.5431_5433del on transcript NM_005422.4 (MANE Select); coding-DNA positions 5431 to 5433, 3 bases deleted (ATG; older notation c.5431_5433delATG).
Protein change: p.Met1811del; deletes methionine 1811.
Genome position (GRCh38, 1-based): chr11:121,166,625-121,166,627, ATG deleted. VCF-style (leftmost placement, unchanged base first): chr11-121166624-AATG-A. GRCh37 (hg19) VCF-style: chr11-121037333-AATG-A.
Other names: c.6373_6375del, p.Met2125del (NM_001378761.1); short protein forms M1811del, M2125del.
Identifiers: ClinVar variation 3377416 (VCV003377416.1).

ClinVar aggregate classification (germline): Uncertain significance (1 of 4 stars; one submission).

Conditions:
Nonsyndromic genetic hearing loss. Also called: Non-syndromic genetic deafness; Nonsyndromic genetic deafness; Nonsyndromic hearing loss and deafness. Identifiers: Orphanet 87884, MedGen C5680182, MONDO:0019497.

Submission:

Victorian Clinical Genetics Services, Murdoch Childrens Research Institute
Classification: Uncertain significance for Nonsyndromic genetic hearing loss. Last evaluated: 2020-05-21. Review status: criteria provided, single submitter. Criteria: ACMG Guidelines, 2015. Collection method: clinical testing. Allele origin: germline. Affected: yes.
Comment: Based on the classification scheme VCGS_Germline_v1.1.1, this variant is classified as 3B-VUS. Following criteria are met: 0102 - Loss-of-function is a known mechanism of disease for this gene. (N) 0104 - Dominant Negative is a mechanism of disease for this gene. (N) 0108 - This gene is known to be associated with both recessive and dominant disease (OMIM). (N) 0213 - In-frame deletion in a non-repetitive region that has high conservation (exon17). (P) 0251 - Variant is heterozygous. (N) 0301 - Variant is absent from gnomAD. (P) 0600 - Variant is located in an annotated domain or motif (Zona pellucida domain; PDB, NCBI) (N) 0705 - No comparable variants have previous evidence for pathogenicity. (N) 0807 - Variant has not previously been reported in a clinical context. (N) 0905 - No segregation evidence has been identified for this variant. (N) 1007 - No published functional evidence has been identified for this variant. (N) 1208 - Inheritance information for this variant is not currently available. (N) Legend: (P) - Pathogenic, (N) - Neutral, (B) - Benign